The following is an entry in ClinVar:

ClinVar aggregate classification (germline): Uncertain significance (1 of 4 stars; one submission).

Submission:

Labcorp Genetics (formerly Invitae), Labcorp
Classification: Uncertain significance. Last evaluated: 2025-08-11. Review status: criteria provided, single submitter. Criteria: Invitae Variant Classification Sherloc (09022015). Collection method: clinical testing. Allele origin: germline.
Comment: This sequence change replaces leucine, which is neutral and non-polar, with valine, which is neutral and non-polar, at codon 1407 of the NBAS protein (p.Leu1407Val). This variant is not present in population databases (gnomAD no frequency). This variant has not been reported in the literature in individuals affected with NBAS-related conditions. ClinVar contains an entry for this variant (Variation ID: 1348377). Invitae Evidence Modeling of protein sequence and biophysical properties (such as structural, functional, and spatial information, amino acid conservation, physicochemical variation, residue mobility, and thermodynamic stability) indicates that this missense variant is not expected to disrupt NBAS protein function with a negative predictive value of 95%. In summary, the available evidence is currently insufficient to determine the role of this variant in disease. Therefore, it has been classified as a Variant of Uncertain Significance.

NM_015909.4(NBAS):c.4219T>G (p.Leu1407Val)

Gene: NBAS (NBAS subunit of NRZ tethering complex; minus strand). Cytogenetic location: 2p24.3.
Variant type: single nucleotide variant.
Coding change: c.4219T>G on transcript NM_015909.4 (MANE Select); coding-DNA position 4219, T replaced by G.
Protein change: p.Leu1407Val; replaces leucine 1407 with valine.
Molecular consequence: missense variant. On other transcripts: non-coding transcript variant (1).
Genome position (GRCh38, 1-based): chr2:15,330,726, A>C on the plus strand (T>G on the coding strand, the complement: NBAS is on the minus strand). VCF-style: chr2-15330726-A-C. GRCh37 (hg19) VCF-style: chr2-15470850-A-C.
Other names: short protein forms L1407V.
Identifiers: ClinVar variation 1348377 (VCV001348377.8), dbSNP rs1325892097, ClinGen allele CA345881754.